The following is an entry in ClinVar:

NM_182931.3(KMT2E):c.4639CCACCTCCT[3] (p.Pro1552_Ser1553insProProPro)

Gene: KMT2E (lysine methyltransferase 2E (inactive); plus strand). Cytogenetic location: 7q22.3.
Variant type: Microsatellite.
Coding change: c.4639CCACCTCCT[3] on transcript NM_182931.3 (MANE Select); three copies in a row of the 9-base unit CCACCTCCT starting at c.4639; the reference has two copies in a row; one copy, 9 bases duplicated.
Protein change: p.Pro1552_Ser1553insProProPro.
Molecular consequence: inframe insertion. On other transcripts: inframe indel (1).
Genome position (GRCh38, 1-based): chr7:105,112,404-105,112,412, CCACCTCCT duplicated; duplicating any 9 consecutive bases within chr7:105,112,392-105,112,412 gives the same sequence; the position shown is the placement nearest the transcript's 3' end. VCF-style (leftmost placement, unchanged base first): chr7-105112391-C-CCCTCCACCT. GRCh37 (hg19) VCF-style: chr7-104752838-C-CCCTCCACCT.
Other names: c.4513_4521CCACCTCCT[3], p.Pro1510_Ser1511insProProPro (NM_001410908.1); c.4639CCACCTCCT[3], p.Pro1552_Ser1553insProProPro (NM_018682.4).
Identifiers: ClinVar variation 2194577 (VCV002194577.22), dbSNP rs749591342, ClinGen allele CA4424795.

ClinVar aggregate classification (germline): Likely benign. Review status: criteria provided, multiple submitters, no conflicts (2 of 4 stars). 2 submissions from 2 submitters: Likely benign (2). Last evaluated 2026-01-09.

Submissions (2):

Labcorp Genetics (formerly Invitae), Labcorp
Classification: Likely benign. Last evaluated: 2026-01-09. Review status: criteria provided, single submitter. Criteria: Invitae Variant Classification Sherloc (09022015). Collection method: clinical testing. Allele origin: germline.

CeGaT Center for Human Genetics Tuebingen
Classification: Likely benign. Last evaluated: 2025-11-01. Review status: criteria provided, single submitter. Criteria: CeGaT Center For Human Genetics Tuebingen Variant Classification Criteria Version 2. Collection method: clinical testing. Allele origin: germline. Affected: yes. Observed: 2 variant alleles.
Comment: KMT2E: BP3